The following is an entry in ClinVar:

ClinVar aggregate classification (germline): Uncertain significance. Review status: criteria provided, multiple submitters, no conflicts (2 of 4 stars). 2 submissions from 2 submitters: Uncertain significance (2). Last evaluated 2025-04-07.

Conditions:
Loeys-Dietz syndrome 2 (LDS2). Also called: TGFBR2-Related Loeys-Dietz Syndrome; Marfan syndrome, type 2 (formerly); AORTIC ANEURYSM, FAMILIAL THORACIC 3; MARFAN SYNDROME, TYPE II; Marfan Syndrome type 2; Marfan like connective tissue disorder. Identifiers: Orphanet 284973, Orphanet 558, MedGen C2674574, MONDO:0012427, OMIM 610168.

Allele frequency attached by ClinVar (database versions not stated): gnomAD exomes 0.00001; TOPMed 0.00001; ExAC 0.00002; ESP Exome Variant Server 0.00015.
gnomAD v4.1: 18 of 1,614,136 alleles (0.0011%); highest among the groups gnomAD compares: Non-Finnish European, 0.0014%; no homozygotes.

Submissions (2):

Ambry Genetics
Classification: Uncertain significance. Last evaluated: 2025-04-07. Review status: criteria provided, single submitter. Criteria: Ambry Variant Classification Scheme 2023. Collection method: clinical testing. Allele origin: germline.
Comment: The p.H194Y variant (also known as c.580C>T), located in coding exon 4 of the TMPO gene, results from a C to T substitution at nucleotide position 580. The histidine at codon 194 is replaced by tyrosine, an amino acid with similar properties. This amino acid position is conserved. In addition, this alteration is predicted to be tolerated by in silico analysis. Since supporting evidence is limited at this time, the clinical significance of this alteration remains unclear.

Labcorp Genetics (formerly Invitae), Labcorp
Classification: Uncertain significance for Loeys-Dietz syndrome 2. Last evaluated: 2021-08-30. Review status: criteria provided, single submitter. Criteria: Invitae Variant Classification Sherloc (09022015). Collection method: clinical testing. Allele origin: germline.
Comment: This sequence change replaces histidine with tyrosine at codon 194 of the TMPO protein (p.His194Tyr). The histidine residue is weakly conserved and there is a moderate physicochemical difference between histidine and tyrosine. This variant is present in population databases (rs138259721, ExAC 0.003%). This variant has not been reported in the literature in individuals affected with TMPO-related conditions. Algorithms developed to predict the effect of missense changes on protein structure and function (SIFT, PolyPhen-2, Align-GVGD) all suggest that this variant is likely to be tolerated. In summary, the available evidence is currently insufficient to determine the role of this variant in disease. Therefore, it has been classified as a Variant of Uncertain Significance.

NM_001032283.3(TMPO):c.565+999C>T

Gene: TMPO (thymopoietin; plus strand). Cytogenetic location: 12q23.1.
Variant type: single nucleotide variant.
Coding change: c.565+999C>T on transcript NM_001032283.3 (MANE Select); 999 bases into the intron after coding-DNA position 565, C replaced by T.
Molecular consequence: intron variant. On other transcripts: missense variant (1).
Genome position (GRCh38, 1-based): chr12:98,532,837, C>T. VCF-style: chr12-98532837-C-T. GRCh37 (hg19) VCF-style: chr12-98926615-C-T.
Other names: c.580C>T, p.His194Tyr (NM_003276.2); c.565+999C>T (NM_001307975.2, NM_001032284.3); short protein forms H194Y.
Identifiers: ClinVar variation 410625 (VCV000410625.9), dbSNP rs138259721, ClinGen allele CA6732250.
Genomic context (GRCh38, chr12:98,532,837, plus strand): 5'-CAAACACAGGTAATGCTTAAACTTCCTGCCTCTTTTGCCTCTACAGGAAAGAAGAAAGAA[C>T]ACAAGAAAGTGAAGTCCACTAGGGATATTGTTCCTTTTTCTGAACTTGGAACTACTCCCT-3'